The following is an entry in ClinVar:

ClinVar aggregate classification (germline): Benign (1 of 4 stars; one submission).

Submission:

CeGaT Center for Human Genetics Tuebingen
Classification: Benign. Last evaluated: 2022-06-01. Review status: criteria provided, single submitter. Criteria: CeGaT Center For Human Genetics Tuebingen Variant Classification Criteria Version 2. Collection method: clinical testing. Allele origin: germline. Affected: yes. Observed: 1 variant allele.
Comment: PHOX2B: BS1, BS2

NM_003924.4(PHOX2B):c.*12GCG[4]

Gene: PHOX2B (paired like homeobox 2B; minus strand). Cytogenetic location: 4p13.
Variant type: Microsatellite.
Coding change: c.*12GCG[4] on transcript NM_003924.4 (MANE Select); four copies in a row of the 3-base unit GCG starting at c.*12; the reference has seven copies in a row; three copies, 9 bases deleted.
Molecular consequence: 3 prime UTR variant.
Genome position (GRCh38, 1-based): chr4:41,745,775-41,745,783, CGCCGCCGC deleted on the plus strand (GCGGCGGCG on the coding strand, the reverse complement: PHOX2B is on the minus strand); deleting any 9 consecutive bases within chr4:41,745,775-41,745,795 gives the same sequence; the position shown is the placement nearest the transcript's 3' end. VCF-style (leftmost placement, unchanged base first): chr4-41745774-TCGCCGCCGC-T. GRCh37 (hg19) VCF-style: chr4-41747791-TCGCCGCCGC-T.
Identifiers: ClinVar variation 348806 (VCV000348806.29), dbSNP rs763380864, ClinGen allele CA2901373.
Genomic context (GRCh38, chr4:41,745,774, plus strand): 5'-CAATAGCCTTGGGCCTACCCGCTCGCCCACTCGCCCGCCCGGGCCCTGGCTCGCCCGCTG[TCGCCGCCGC>T]CGCCGCCGCCGCAGGATTCCAGATCAGAACATACTGCTCTTCACTAAGGCGGCTTTGGCA-3'